The following is an entry in ClinVar:

ClinVar aggregate classification (germline): Uncertain significance. Review status: criteria provided, multiple submitters, no conflicts (2 of 4 stars). 2 submissions from 2 submitters: Uncertain significance (2). Last evaluated 2025-06-23.

Conditions:
Leigh syndrome (NULS). Also called: Leigh's syndrome; Leigh Disease; Leigh Syndrome (mtDNA deletion); LEIGH SYNDROME, NUCLEAR; Subacute necrotizing encephalopathy; Necrotizing encephalopathy infantile subacute of Leigh. Identifiers: Orphanet 506, MedGen C2931891, MONDO:0009723, OMIM 256000.

Allele frequency attached by ClinVar (database versions not stated): gnomAD exomes below 0.00001 and 0.00002; gnomAD 0.00001; TOPMed 0.00002.
gnomAD v4.1: 37 of 1,613,938 alleles (0.0023%); highest among the groups gnomAD compares: Non-Finnish European, 0.003%; no homozygotes.

Submissions (2):

Labcorp Genetics (formerly Invitae), Labcorp
Classification: Uncertain significance for Leigh syndrome. Last evaluated: 2025-06-23. Review status: criteria provided, single submitter. Criteria: Invitae Variant Classification Sherloc (09022015). Collection method: clinical testing. Allele origin: germline.
Comment: This sequence change replaces leucine, which is neutral and non-polar, with arginine, which is basic and polar, at codon 62 of the SURF1 protein (p.Leu62Arg). This variant is present in population databases (rs782125974, gnomAD 0.0009%). This variant has not been reported in the literature in individuals affected with SURF1-related conditions. ClinVar contains an entry for this variant (Variation ID: 580531). Invitae Evidence Modeling of protein sequence and biophysical properties (such as structural, functional, and spatial information, amino acid conservation, physicochemical variation, residue mobility, and thermodynamic stability) has been performed for this missense variant. However, the output from this modeling did not meet the statistical confidence thresholds required to predict the impact of this variant on SURF1 protein function. In summary, the available evidence is currently insufficient to determine the role of this variant in disease. Therefore, it has been classified as a Variant of Uncertain Significance.

Baylor Genetics
Classification: Uncertain significance for Leigh syndrome. Last evaluated: 2018-11-26. Review status: criteria provided, single submitter. Criteria: ACMG Guidelines, 2015. Collection method: clinical testing. Allele origin: paternal. Affected: yes.
Comment: This variant was determined to be of uncertain significance according to ACMG Guidelines, 2015 [PMID:25741868].

NM_003172.4(SURF1):c.185T>G (p.Leu62Arg)

Gene: SURF1 (SURF1 cytochrome c oxidase assembly factor; minus strand). Cytogenetic location: 9q34.2.
Variant type: single nucleotide variant.
Coding change: c.185T>G on transcript NM_003172.4 (MANE Select); coding-DNA position 185, T replaced by G.
Protein change: p.Leu62Arg; replaces leucine 62 with arginine.
Molecular consequence: missense variant. On other transcripts: 5 prime UTR variant (1).
Genome position (GRCh38, 1-based): chr9:133,354,879, A>C on the plus strand (T>G on the coding strand, the complement: SURF1 is on the minus strand). VCF-style: chr9-133354879-A-C. GRCh37 (hg19) VCF-style: chr9-136221734-A-C.
Other names: c.-143T>G (NM_001280787.1); short protein forms L62R.
Identifiers: ClinVar variation 580531 (VCV000580531.8), dbSNP rs782125974, ClinGen allele CA200833513.